The following is an entry in ClinVar:

ClinVar aggregate classification (germline): Likely benign (0 of 4 stars; one submission).

Conditions:
LARS2-related disorder. Also called: LARS2-related condition.

Submission:

PreventionGenetics, part of Exact Sciences
Classification: Likely benign for LARS2-related condition. Last evaluated: 2020-05-13. Review status: no assertion criteria provided. Collection method: clinical testing. Allele origin: germline.
Comment: This variant is classified as likely benign based on ACMG/AMP sequence variant interpretation guidelines (Richards et al. 2015 PMID: 25741868, with internal and published modifications).

NM_015340.4(LARS2):c.1523+10_1523+20del

Genes: LARS2 (leucyl-tRNA synthetase 2, mitochondrial; plus strand), LARS2-AS1 (LARS2 antisense RNA 1; minus strand). Cytogenetic location: 3p21.31.
Variant type: Deletion.
Coding change: c.1523+10_1523+20del on transcript NM_015340.4 (MANE Select); bases 10 to 20 of the intron after coding-DNA position 1523, 11 bases deleted (CACATCCCTGC).
Molecular consequence: intron variant.
Genome position (GRCh38, 1-based): chr3:45,491,810-45,491,820, CACATCCCTGC deleted; deleting any 11 consecutive bases within chr3:45,491,808-45,491,820 gives the same sequence; the c. name uses the placement nearest the transcript's 3' end. VCF-style (leftmost placement, unchanged base first): chr3-45491807-AGCCACATCCCT-A. GRCh37 (hg19) VCF-style: chr3-45533299-AGCCACATCCCT-A.
Other names: c.1523+10_1523+20del (NM_001368263.1).
Identifiers: ClinVar variation 3053015 (VCV003053015.2), dbSNP rs2529021533, ClinGen allele CA2740090902.